The following is an entry in ClinVar:

ClinVar aggregate classification (germline): Uncertain significance (1 of 4 stars; one submission).

Conditions:
Primary ciliary dyskinesia 30. Also called: CILIARY DYSKINESIA, PRIMARY, 30, WITH OR WITHOUT SITUS INVERSUS. Identifiers: Orphanet 244, MedGen C4015016, MONDO:0014465, OMIM 616037.

Submission:

Labcorp Genetics (formerly Invitae), Labcorp
Classification: Uncertain significance for Primary ciliary dyskinesia 30. Last evaluated: 2022-05-22. Review status: criteria provided, single submitter. Criteria: Invitae Variant Classification Sherloc (09022015). Collection method: clinical testing. Allele origin: germline.
Comment: This sequence change replaces histidine, which is basic and polar, with tyrosine, which is neutral and polar, at codon 468 of the CCDC151 protein (p.His468Tyr). This variant is not present in population databases (gnomAD no frequency). This variant has not been reported in the literature in individuals affected with CCDC151-related conditions. Algorithms developed to predict the effect of missense changes on protein structure and function are either unavailable or do not agree on the potential impact of this missense change (SIFT: "Deleterious"; PolyPhen-2: "Probably Damaging"; Align-GVGD: "Class C0"). In summary, the available evidence is currently insufficient to determine the role of this variant in disease. Therefore, it has been classified as a Variant of Uncertain Significance.

NM_145045.5(ODAD3):c.1402C>T (p.His468Tyr)

Gene: ODAD3 (outer dynein arm docking complex subunit 3; minus strand). Cytogenetic location: 19p13.2.
Variant type: single nucleotide variant.
Coding change: c.1402C>T on transcript NM_145045.5 (MANE Select); coding-DNA position 1402, C replaced by T.
Protein change: p.His468Tyr; replaces histidine 468 with tyrosine.
Molecular consequence: missense variant.
Genome position (GRCh38, 1-based): chr19:11,422,503, G>A on the plus strand (C>T on the coding strand, the complement: ODAD3 is on the minus strand). VCF-style: chr19-11422503-G-A. GRCh37 (hg19) VCF-style: chr19-11533171-G-A.
Other names: c.1240C>T, p.His414Tyr (NM_001302453.1); c.1222C>T, p.His408Tyr (NM_001302454.2); short protein forms H468Y, H408Y, H414Y.
Identifiers: ClinVar variation 1997952 (VCV001997952.1), dbSNP rs1568346810, ClinGen allele CA404119534.